The following is an entry in ClinVar:

NM_001164508.2(NEB):c.6710del (p.Tyr2237fs)

Gene: NEB (nebulin; minus strand). Cytogenetic location: 2q23.3.
Variant type: Deletion.
Coding change: c.6710del on transcript NM_001164508.2 (MANE Select); coding-DNA position 6710, one base deleted (A; older notation c.6710delA).
Protein change: p.Tyr2237fs; shifts the reading frame from tyrosine 2237.
Molecular consequence: frameshift variant.
Genome position (GRCh38, 1-based): chr2:151,655,367, T deleted on the plus strand (A on the coding strand, the reverse complement: NEB is on the minus strand). VCF-style (leftmost placement, unchanged base first): chr2-151655366-GT-G. GRCh37 (hg19) VCF-style: chr2-152511880-GT-G.
Other names: c.6710del, p.Tyr2237fs (NM_001164507.2, NM_001271208.2, NM_004543.5); short protein forms Y2237fs.
Identifiers: ClinVar variation 940652 (VCV000940652.7), dbSNP rs2099076260, ClinGen allele CA1139657261.

ClinVar aggregate classification (germline): Pathogenic (1 of 4 stars; one submission).

Conditions:
Nemaline myopathy 2 (NEM2). Also called: Nemaline myopathy 2, autosomal recessive. Identifiers: MedGen C1850569, MONDO:0009725, OMIM 256030.

Submission:

Labcorp Genetics (formerly Invitae), Labcorp
Classification: Pathogenic for Nemaline myopathy 2. Last evaluated: 2019-10-11. Review status: criteria provided, single submitter. Criteria: Invitae Variant Classification Sherloc (09022015). Collection method: clinical testing. Allele origin: germline.
Comment: For these reasons, this variant has been classified as Pathogenic. Loss-of-function variants in NEB are known to be pathogenic (PMID: 25205138). This variant has not been reported in the literature in individuals with NEB-related conditions. This variant is not present in population databases (ExAC no frequency). This sequence change creates a premature translational stop signal (p.Tyr2237Serfs*14) in the NEB gene. It is expected to result in an absent or disrupted protein product.

Literature cited by the submitters: PubMed 25205138.